The following is an entry in ClinVar:

ClinVar aggregate classification (germline): Uncertain significance (1 of 4 stars; one submission).

Submission:

Ambry Genetics
Classification: Uncertain significance. Last evaluated: 2025-04-05. Review status: criteria provided, single submitter. Criteria: Ambry Variant Classification Scheme 2023. Collection method: clinical testing. Allele origin: germline.
Comment: The p.S14N variant (also known as c.41G>A), located in coding exon 1 of the CDK12 gene, results from a G to A substitution at nucleotide position 41. The serine at codon 14 is replaced by asparagine, an amino acid with highly similar properties. This amino acid position is conserved. In addition, this alteration is predicted to be tolerated by in silico analysis. Based on the available evidence, the clinical significance of this variant remains unclear.

NM_016507.4(CDK12):c.41G>A (p.Ser14Asn)

Genes: CDK12 (cyclin dependent kinase 12; plus strand), LOC126862553 (CDK7 strongly-dependent group 2 enhancer GRCh37_chr17:37618166-37619365; plus strand). Cytogenetic location: 17q12.
Variant type: single nucleotide variant.
Coding change: c.41G>A on transcript NM_016507.4 (MANE Select); coding-DNA position 41, G replaced by A.
Protein change: p.Ser14Asn; replaces serine 14 with asparagine.
Molecular consequence: missense variant.
Genome position (GRCh38, 1-based): chr17:39,462,112, G>A. VCF-style: chr17-39462112-G-A. GRCh37 (hg19) VCF-style: chr17-37618365-G-A.
Other names: c.41G>A, p.Ser14Asn (NM_015083.4); short protein forms S14N.
Identifiers: ClinVar variation 3999321 (VCV003999321.1).
Genomic context (GRCh38, chr17:39,462,112, plus strand): 5'-TTCAGGTCAGGGGAAAGGGAATGCCCAATTCAGAGAGACATGGGGGCAAGAAGGACGGGA[G>A]TGGAGGAGCTTCTGGAACTTTGCAGCCGTCATCGGGAGGCGGCAGCTCTAACAGCAGAGA-3'
Protein context (NP_057591.2, residues 4-24): SERHGGKKDG[Ser14Asn]GGASGTLQPS